The following is an entry in ClinVar:

NM_001267550.2(TTN):c.21497T>G (p.Phe7166Cys)

Gene: TTN (titin; minus strand). Cytogenetic location: 2q31.2.
Variant type: single nucleotide variant.
Coding change: c.21497T>G on transcript NM_001267550.2 (MANE Select); coding-DNA position 21497, T replaced by G.
Protein change: p.Phe7166Cys; replaces phenylalanine 7166 with cysteine.
Molecular consequence: missense variant. On other transcripts: intron variant (3).
Genome position (GRCh38, 1-based): chr2:178,723,603, A>C on the plus strand (T>G on the coding strand, the complement: TTN is on the minus strand). VCF-style: chr2-178723603-A-C. GRCh37 (hg19) VCF-style: chr2-179588330-A-C.
Other names: c.21497T>G (NM_001267550.1); c.20546T>G, p.Phe6849Cys (NM_001256850.1); c.17765T>G, p.Phe5922Cys (NM_133378.4); c.13282+14479T>G (NM_003319.4); c.13858+14479T>G (NM_133437.4); c.13657+14479T>G (NM_133432.3); short protein forms F7166C, F5922C, F6849C.
Identifiers: ClinVar variation 535099 (VCV000535099.30), dbSNP rs781740874, ClinGen allele CA2001013.

ClinVar aggregate classification (germline): Uncertain significance. Review status: criteria provided, multiple submitters, no conflicts (2 of 4 stars). 4 submissions from 4 submitters: Uncertain significance (4). Last evaluated 2025-03-10.

Conditions:
TTN-related disorder. Also called: TTN-related disorders; TTN-related condition; TTN-related disease.
Dilated cardiomyopathy 1G (CMD1G). Identifiers: Orphanet 154, MedGen C1858763, MONDO:0011400, OMIM 604145.
Autosomal recessive limb-girdle muscular dystrophy type 2J (LGMDR10). Also called: Limb-girdle muscular dystrophy, type 2J; MUSCULAR DYSTROPHY, LIMB-GIRDLE, AUTOSOMAL RECESSIVE 10. Identifiers: Orphanet 140922, MedGen C1837342, MONDO:0012127, OMIM 608807.

Allele frequency attached by ClinVar (database versions not stated): gnomAD 0.00001; gnomAD exomes 0.00001 and 0.00002; TOPMed 0.00001; ExAC 0.00003.
gnomAD v4.1: 9 of 1,613,092 alleles (0.00056%); highest among the groups gnomAD compares: Non-Finnish European, 0.00068%; no homozygotes.

Submissions (4):

PreventionGenetics, part of Exact Sciences
Classification: Uncertain significance for TTN-related condition. Last evaluated: 2025-03-10. Review status: criteria provided, single submitter. Criteria: ACMG Guidelines, 2015. Collection method: clinical testing. Allele origin: germline.
Comment: The TTN c.21497T>G variant is predicted to result in the amino acid substitution p.Phe7166Cys. To our knowledge, this variant has not been reported in the literature. This variant is reported in 0.0036% of alleles in individuals of European (Non-Finnish) descent in gnomAD. At this time, the clinical significance of this variant is uncertain due to the absence of conclusive functional and genetic evidence.

GeneDx
Classification: Uncertain significance. Last evaluated: 2023-10-12. Review status: criteria provided, single submitter. Criteria: GeneDx Variant Classification Process June 2021. Collection method: clinical testing. Allele origin: germline. Affected: yes.
Comment: Not observed at significant frequency in large population cohorts (gnomAD); Missense variant in a gene in which most reported pathogenic variants are truncating/loss of function; Has not been previously published as pathogenic or benign to our knowledge

CeGaT Center for Human Genetics Tuebingen
Classification: Uncertain significance. Last evaluated: 2022-04-01. Review status: criteria provided, single submitter. Criteria: CeGaT Center For Human Genetics Tuebingen Variant Classification Criteria Version 2. Collection method: clinical testing. Allele origin: germline. Affected: yes. Observed: 1 variant allele.
Comment: TTN: PM2

Labcorp Genetics (formerly Invitae), Labcorp
Classification: Uncertain significance for Dilated cardiomyopathy 1G; Autosomal recessive limb-girdle muscular dystrophy type 2J. Last evaluated: 2017-10-07. Review status: criteria provided, single submitter. Criteria: Invitae Variant Classification Sherloc (09022015). Collection method: clinical testing. Allele origin: germline.